The following is an entry in ClinVar:

NM_001035.3(RYR2):c.3781G>A (p.Val1261Ile)

Genes: RYR2 (ryanodine receptor 2; plus strand), LOC126806067 (BRD4-independent group 4 enhancer GRCh37_chr1:237753258-237754457; plus strand). Cytogenetic location: 1q43.
Variant type: single nucleotide variant.
Coding change: c.3781G>A on transcript NM_001035.3 (MANE Select); coding-DNA position 3781, G replaced by A.
Protein change: p.Val1261Ile; replaces valine 1261 with isoleucine.
Molecular consequence: missense variant.
Genome position (GRCh38, 1-based): chr1:237,589,975, G>A. VCF-style: chr1-237589975-G-A. GRCh37 (hg19) VCF-style: chr1-237753275-G-A.
Other names: short protein forms V1261I.
Identifiers: ClinVar variation 4757193 (VCV004757193.1).

ClinVar aggregate classification (germline): Uncertain significance (1 of 4 stars; one submission).

Conditions:
Cardiomyopathy (CMYO). Also called: Cardiomyopathies. Identifiers: Orphanet 167848, MedGen C0878544, MONDO:0004994, HP:0001638. Inheritance: Various modes of inheritance.

Submission:

Color Diagnostics, LLC DBA Color Health
Classification: Uncertain significance for Cardiomyopathy. Last evaluated: 2025-06-29. Review status: criteria provided, single submitter. Criteria: ACMG Guidelines, 2015. Collection method: clinical testing. Allele origin: germline.
Comment: This missense variant replaces valine with isoleucine at codon 1261 of the RYR2 protein. Computational prediction suggests that this variant may not impact protein structure and function. To our knowledge, functional studies have not been reported for this variant. This variant has not been reported in individuals affected with RYR2-related disorders in the literature. This variant has not been identified in the general population by the Genome Aggregation Database (gnomAD). The available evidence is insufficient to determine the role of this variant in disease conclusively. Therefore, this variant is classified as a Variant of Uncertain Significance.